The following is an entry in ClinVar:

ClinVar aggregate classification (germline): Benign/Likely benign. Review status: criteria provided, multiple submitters, no conflicts (2 of 4 stars). 4 submissions from 4 submitters: Benign (1); Likely benign (3). Last evaluated 2025-07-12.

Conditions:
Hereditary cancer-predisposing syndrome. Also called: Tumor predisposition; Neoplastic Syndromes, Hereditary; Hereditary Cancer Syndrome; Hereditary neoplastic syndrome. Identifiers: Orphanet 140162, MedGen C0027672, MeSH D009386, MONDO:0015356.
Familial cancer of breast. Also called: BREAST CANCER, FAMILIAL; Hereditary breast cancer; hereditary breast carcinoma. Identifiers: Orphanet 227535, MedGen C0346153, MONDO:0016419, OMIM 114480. Disease mechanism: loss of function.

Allele frequency attached by ClinVar (database versions not stated): gnomAD exomes 0.00001; ExAC 0.00003.
gnomAD v4.1: 2 of 1,613,448 alleles (0.00012%); highest among the groups gnomAD compares: Non-Finnish European, 0.00017%; no homozygotes.

Submissions (4):

Women's Health and Genetics/Laboratory Corporation of America, LabCorp
Classification: Likely benign. Last evaluated: 2025-07-12. Review status: criteria provided, single submitter. Criteria: LabCorp Variant Classification Summary - May 2015. Collection method: clinical testing. Allele origin: germline.

Myriad Genetics, Inc.
Classification: Benign for Familial cancer of breast. Last evaluated: 2025-01-09. Review status: criteria provided, single submitter. Criteria: Myriad Autosomal Dominant, Autosomal Recessive and X-Linked Classification Criteria (2023). Collection method: clinical testing. Allele origin: unknown.
Comment: This variant is considered benign. This variant is a silent/synonymous amino acid change and it is not expected to impact splicing.

Labcorp Genetics (formerly Invitae), Labcorp
Classification: Likely benign for Familial cancer of breast. Last evaluated: 2024-07-23. Review status: criteria provided, single submitter. Criteria: Invitae Variant Classification Sherloc (09022015). Collection method: clinical testing. Allele origin: germline.

Ambry Genetics
Classification: Likely benign for Hereditary cancer-predisposing syndrome. Last evaluated: 2020-09-01. Review status: criteria provided, single submitter. Criteria: Ambry Variant Classification Scheme 2023. Collection method: clinical testing. Allele origin: germline.

NM_024675.4(PALB2):c.24C>T (p.Pro8=)

Gene: PALB2 (partner and localizer of BRCA2; minus strand). Cytogenetic location: 16p12.2.
Variant type: single nucleotide variant.
Coding change: c.24C>T on transcript NM_024675.4 (MANE Select); coding-DNA position 24, C replaced by T.
Protein change: p.Pro8=; no amino-acid change (proline 8 retained).
Molecular consequence: synonymous variant.
Genome position (GRCh38, 1-based): chr16:23,641,134, G>A on the plus strand (C>T on the coding strand, the complement: PALB2 is on the minus strand). VCF-style: chr16-23641134-G-A. GRCh37 (hg19) VCF-style: chr16-23652455-G-A.
Identifiers: ClinVar variation 1103443 (VCV001103443.12), dbSNP rs766487850, ClinGen allele CA7963890.
Genomic context (GRCh38, chr16:23,641,134, plus strand): 5'-AGAGTCCTGCGTCCGCCCTTCCCGCACCCCCGGCACCTTTTCCTTCTCCTCACAGCTGAG[G>A]GGCTTCCCGGGAGGCTCGTCCATCGGGCAGGCGACAGAACGAAAAGAGCAGCCGTCGCCG-3'
Protein context (NP_078951.2, residues 1-18): MDEPPGK[Pro8=]LSCEEKEKLK